The following is an entry in ClinVar:

ClinVar aggregate classification (germline): Uncertain significance (1 of 4 stars; one submission).

Conditions:
Transcobalamin II deficiency (TCN2D). Also called: TC II DEFICIENCY; TCN2 DEFICIENCY; Transcolabamin II deficiency. Identifiers: Orphanet 859, MedGen C0342701, MONDO:0010149, OMIM 275350.

Submission:

Labcorp Genetics (formerly Invitae), Labcorp
Classification: Uncertain significance for Transcobalamin II deficiency. Last evaluated: 2022-01-16. Review status: criteria provided, single submitter. Criteria: Invitae Variant Classification Sherloc (09022015). Collection method: clinical testing. Allele origin: germline.
Comment: Algorithms developed to predict the effect of missense changes on protein structure and function are either unavailable or do not agree on the potential impact of this missense change (SIFT: "Deleterious"; PolyPhen-2: "Benign"; Align-GVGD: "Class C0"). In summary, the available evidence is currently insufficient to determine the role of this variant in disease. Therefore, it has been classified as a Variant of Uncertain Significance. This variant has not been reported in the literature in individuals affected with TCN2-related conditions. This variant is not present in population databases (gnomAD no frequency). This sequence change replaces glycine, which is neutral and non-polar, with cysteine, which is neutral and slightly polar, at codon 148 of the TCN2 protein (p.Gly148Cys).

NM_000355.4(TCN2):c.442G>T (p.Gly148Cys)

Gene: TCN2 (transcobalamin 2; plus strand). Cytogenetic location: 22q12.2.
Variant type: single nucleotide variant.
Coding change: c.442G>T on transcript NM_000355.4 (MANE Select); coding-DNA position 442, G replaced by T.
Protein change: p.Gly148Cys; replaces glycine 148 with cysteine.
Molecular consequence: missense variant.
Genome position (GRCh38, 1-based): chr22:30,614,363, G>T. VCF-style: chr22-30614363-G-T. GRCh37 (hg19) VCF-style: chr22-31010350-G-T.
Other names: c.361G>T, p.Gly121Cys (NM_001184726.2); short protein forms G121C, G148C.
Identifiers: ClinVar variation 2084922 (VCV002084922.4), dbSNP rs2087581718, ClinGen allele CA411210520.